The following continues an entry in ClinVar:

NM_000228.3(LAMB3):c.2554A>T (p.Met852Leu)

Gene: LAMB3. ClinVar aggregate classification (germline): Benign. Benign (10).

Submissions 62 to 72 of 72:

Dr. Peter K. Rogan Lab, Western University
No classification provided (evidence only). Condition: Ovarian cancer. Review status: no classification provided. Collection method: in vitro. Allele origin: not applicable. Functional consequence: skipped exon, retained intron. Not counted in ClinVar's aggregate classification.

Dr. Peter K. Rogan Lab, Western University
No classification provided (evidence only). Condition: Ovarian cancer. Review status: no classification provided. Collection method: in vitro. Allele origin: not applicable. Functional consequence: retained intron. Not counted in ClinVar's aggregate classification.

Dr. Peter K. Rogan Lab, Western University
No classification provided (evidence only). Condition: Ovarian cancer. Review status: no classification provided. Collection method: in vitro. Allele origin: not applicable. Functional consequence: retained intron. Not counted in ClinVar's aggregate classification.

Dr. Peter K. Rogan Lab, Western University
No classification provided (evidence only). Condition: Ovarian cancer. Review status: no classification provided. Collection method: in vitro. Allele origin: not applicable. Functional consequence: retained intron. Not counted in ClinVar's aggregate classification.

Dr. Peter K. Rogan Lab, Western University
No classification provided (evidence only). Condition: Ovarian cancer. Review status: no classification provided. Collection method: in vitro. Allele origin: not applicable. Functional consequence: retained intron. Not counted in ClinVar's aggregate classification.

Dr. Peter K. Rogan Lab, Western University
No classification provided (evidence only). Condition: Ovarian cancer. Review status: no classification provided. Collection method: in vitro. Allele origin: not applicable. Functional consequence: retained intron. Not counted in ClinVar's aggregate classification.

Dr. Peter K. Rogan Lab, Western University
No classification provided (evidence only). Condition: Ovarian cancer. Review status: no classification provided. Collection method: in vitro. Allele origin: not applicable. Functional consequence: retained intron. Not counted in ClinVar's aggregate classification.

Dr. Peter K. Rogan Lab, Western University
No classification provided (evidence only). Condition: Ovarian cancer. Review status: no classification provided. Collection method: in vitro. Allele origin: not applicable. Functional consequence: retained intron. Not counted in ClinVar's aggregate classification.

Dr. Peter K. Rogan Lab, Western University
No classification provided (evidence only). Condition: Ovarian cancer. Review status: no classification provided. Collection method: in vitro. Allele origin: not applicable. Functional consequence: skipped exon, retained intron. Not counted in ClinVar's aggregate classification.

Dr. Peter K. Rogan Lab, Western University
No classification provided (evidence only). Condition: Ovarian cancer. Review status: no classification provided. Collection method: in vitro. Allele origin: not applicable. Functional consequence: retained intron. Not counted in ClinVar's aggregate classification.

Dr. Peter K. Rogan Lab, Western University
No classification provided (evidence only). Condition: Ovarian cancer. Review status: no classification provided. Collection method: in vitro. Allele origin: not applicable. Functional consequence: retained intron. Not counted in ClinVar's aggregate classification.